The following is an entry in ClinVar:

ClinVar aggregate classification (germline): Pathogenic (1 of 4 stars; one submission).

Conditions:
Tyrosinemia type II (TYRSN2). Also called: KERATOSIS PALMOPLANTARIS WITH CORNEAL DYSTROPHY; OREGON TYPE TYROSINEMIA; TAT DEFICIENCY; TYROSINE AMINOTRANSFERASE DEFICIENCY; TYROSINE TRANSAMINASE DEFICIENCY. Identifiers: Orphanet 28378, MedGen C0268487, MONDO:0010160, OMIM 276600.

Submission:

Myriad Genetics, Inc.
Classification: Pathogenic for Tyrosinemia type II. Last evaluated: 2026-05-11. Review status: criteria provided, single submitter. Criteria: Myriad Autosomal Dominant, Autosomal Recessive and X-Linked Classification Criteria (2023). Collection method: clinical testing. Allele origin: unknown.
Comment: NM_000353.2(TAT):c.555_556delCT(Y186Qfs*11) is expected to be pathogenic in the context of tyrosinemia type II. This variant is predicted to lead to an abnormal or absent protein product due to the creation of a premature termination codon in TAT, a gene where loss-of-function variants are known to be pathogenic. Please note: this variant was assessed in the context of healthy population screening.

NM_000353.3(TAT):c.555_556del (p.Tyr186fs)

Genes: TAT (tyrosine aminotransferase; minus strand), LOC111413029 (BRD4-independent group 4 enhancer GRCh37_chr16:71605697-71606896; plus strand). Cytogenetic location: 16q22.2.
Variant type: Microsatellite.
Coding change: c.555_556del on transcript NM_000353.3 (MANE Select); coding-DNA positions 555 to 556, 2 bases deleted (CT; older notation c.555_556delCT).
Protein change: p.Tyr186fs; shifts the reading frame from tyrosine 186.
Molecular consequence: frameshift variant.
Genome position (GRCh38, 1-based): chr16:71,572,541-71,572,542, AG deleted on the plus strand (CT on the coding strand, the reverse complement: TAT is on the minus strand); deleting any 2 consecutive bases within chr16:71,572,541-71,572,544 gives the same sequence; the c. name uses the placement nearest the transcript's 3' end. VCF-style (leftmost placement, unchanged base first): chr16-71572540-TAG-T. GRCh37 (hg19) VCF-style: chr16-71606443-TAG-T.
Other names: short protein forms Y186fs.
Identifiers: ClinVar variation 5015902 (VCV005015902.1).